The following is an entry in ClinVar:

NM_001267550.2(TTN):c.57717C>A (p.Thr19239=)

Genes: TTN (titin; minus strand), TTN-AS1 (TTN antisense RNA 1; plus strand). Cytogenetic location: 2q31.2.
Variant type: single nucleotide variant.
Coding change: c.57717C>A on transcript NM_001267550.2 (MANE Select); coding-DNA position 57717, C replaced by A.
Protein change: p.Thr19239=; no amino-acid change (threonine 19239 retained).
Molecular consequence: synonymous variant.
Genome position (GRCh38, 1-based): chr2:178,595,637, G>T on the plus strand (C>A on the coding strand, the complement: TTN is on the minus strand). VCF-style: chr2-178595637-G-T. GRCh37 (hg19) VCF-style: chr2-179460364-G-T.
Other names: c.52794C>A, p.Thr17598= (NM_001256850.1); c.30522C>A, p.Thr10174= (NM_003319.4); c.50013C>A, p.Thr16671= (NM_133378.4); c.30897C>A, p.Thr10299= (NM_133432.3); c.31098C>A, p.Thr10366= (NM_133437.4).
Identifiers: ClinVar variation 4681682 (VCV004681682.5).

ClinVar aggregate classification (germline): Likely benign (1 of 4 stars; one submission).

Submission:

CeGaT Center for Human Genetics Tuebingen
Classification: Likely benign. Last evaluated: 2025-12-01. Review status: criteria provided, single submitter. Criteria: CeGaT Center For Human Genetics Tuebingen Variant Classification Criteria Version 2. Collection method: clinical testing. Allele origin: germline. Affected: yes. Observed: 1 variant allele.
Comment: TTN: PM2:Supporting, BP4, BP7